The following is an entry in ClinVar:

ClinVar aggregate classification (germline): Uncertain significance. Review status: criteria provided, multiple submitters, no conflicts (2 of 4 stars). 3 submissions from 3 submitters: Uncertain significance (3). Last evaluated 2023-04-27.

Conditions:
Fetal akinesia deformation sequence 1 (FADS1). Also called: Pena-Shokeir syndrome type I; Fetal akinesia sequence. Identifiers: Orphanet 994, MedGen C1276035, MONDO:0100101, OMIM 208150, HP:0001989.
Congenital myasthenic syndrome 11. Also called: Myasthenic syndrome, congenital, 11, associated with acetylcholine receptor deficiency; MYASTHENIC SYNDROME, CONGENITAL, Ie. Identifiers: Orphanet 590, MedGen C4225367, MONDO:0014588, OMIM 616326.

Allele frequency attached by ClinVar (database versions not stated): gnomAD exomes 0.00001 and 0.00002; gnomAD 0.00002; ExAC 0.00001.
gnomAD v4.1: 32 of 1,614,106 alleles (0.002%); highest among the groups gnomAD compares: Admixed American, 0.0033%; no homozygotes.

Submissions (3):

GeneDx
Classification: Uncertain significance. Last evaluated: 2023-04-27. Review status: criteria provided, single submitter. Criteria: GeneDx Variant Classification Process June 2021. Collection method: clinical testing. Allele origin: germline. Affected: yes.
Comment: Not observed at significant frequency in large population cohorts (gnomAD); In silico analysis supports that this missense variant has a deleterious effect on protein structure/function; Has not been previously published as pathogenic or benign to our knowledge; This variant is associated with the following publications: (PMID: 22678886)

Labcorp Genetics (formerly Invitae), Labcorp
Classification: Uncertain significance for Congenital myasthenic syndrome 11; Fetal akinesia deformation sequence 1. Last evaluated: 2022-08-31. Review status: criteria provided, single submitter. Criteria: Invitae Variant Classification Sherloc (09022015). Collection method: clinical testing. Allele origin: germline.
Comment: This sequence change replaces arginine, which is basic and polar, with histidine, which is basic and polar, at codon 217 of the RAPSN protein (p.Arg217His). This variant is present in population databases (rs763058066, gnomAD 0.0009%). This variant has not been reported in the literature in individuals affected with RAPSN-related conditions. ClinVar contains an entry for this variant (Variation ID: 1406773). Algorithms developed to predict the effect of missense changes on protein structure and function are either unavailable or do not agree on the potential impact of this missense change (SIFT: "Deleterious"; PolyPhen-2: "Probably Damaging"; Align-GVGD: "Class C0"). In summary, the available evidence is currently insufficient to determine the role of this variant in disease. Therefore, it has been classified as a Variant of Uncertain Significance.

Revvity Omics, Revvity
Classification: Uncertain significance. Last evaluated: 2021-05-26. Review status: criteria provided, single submitter. Criteria: ACMG Guidelines, 2015. Collection method: clinical testing. Allele origin: germline.

NM_005055.5(RAPSN):c.650G>A (p.Arg217His)

Gene: RAPSN (receptor associated protein of the synapse; minus strand). Cytogenetic location: 11p11.2.
Variant type: single nucleotide variant.
Coding change: c.650G>A on transcript NM_005055.5 (MANE Select); coding-DNA position 650, G replaced by A.
Protein change: p.Arg217His; replaces arginine 217 with histidine.
Molecular consequence: missense variant.
Genome position (GRCh38, 1-based): chr11:47,442,696, C>T on the plus strand (G>A on the coding strand, the complement: RAPSN is on the minus strand). VCF-style: chr11-47442696-C-T. GRCh37 (hg19) VCF-style: chr11-47464248-C-T.
Other names: c.650G>A, p.Arg217His (NM_032645.5); c.650G>A (NM_005055.4); short protein forms R217H.
Identifiers: ClinVar variation 1406773 (VCV001406773.6), dbSNP rs763058066, ClinGen allele CA5976686.
Genomic context (GRCh38, chr11:47,442,696, plus strand): 5'-CCCCTTCCCCGCTGCCCCACCTCACAACACTCCATGGCACTGCCCAGGCGGCCCAGCAGG[C>T]GATAGGCCACGGCCATGTGGTACTGGCTCATGGCCCGGTACTTCAGGCTCCAGCCTTTGC-3'
Protein context (NP_005046.2, residues 207-227): MSQYHMAVAY[Arg217His]LLGRLGSAME